The following is an entry in ClinVar:

NM_021961.6(TEAD1):c.413A>G (p.Asn138Ser)

Gene: TEAD1 (TEA domain transcription factor 1; plus strand). Cytogenetic location: 11p15.3.
Variant type: single nucleotide variant.
Coding change: c.413A>G on transcript NM_021961.6 (MANE Select); coding-DNA position 413, A replaced by G.
Protein change: p.Asn138Ser; replaces asparagine 138 with serine.
Molecular consequence: missense variant.
Genome position (GRCh38, 1-based): chr11:12,879,790, A>G. VCF-style: chr11-12879790-A-G. GRCh37 (hg19) VCF-style: chr11-12901337-A-G.
Other names: short protein forms N138S.
Identifiers: ClinVar variation 1514951 (VCV001514951.6), dbSNP rs2134094619, ClinGen allele CA379711889.
Genomic context (GRCh38, chr11:12,879,790, plus strand): 5'-CCCTGCAGCACATGGCGGCCATGTCCTCAGCCCAGATCGTCTCGGCCACTGCCATTCATA[A>G]CAAGCTGGGGCTGCCTGGGATTCCACGCCCGACCTTCCCAGGGGCGCCGGGGGTAAGTCA-3'
Protein context (NP_068780.2, residues 128-148): AQIVSATAIH[Asn138Ser]KLGLPGIPRP

ClinVar aggregate classification (germline): Uncertain significance (1 of 4 stars; one submission).

Submission:

Labcorp Genetics (formerly Invitae), Labcorp
Classification: Uncertain significance. Last evaluated: 2021-10-25. Review status: criteria provided, single submitter. Criteria: Invitae Variant Classification Sherloc (09022015). Collection method: clinical testing. Allele origin: germline.
Comment: This variant has not been reported in the literature in individuals affected with TEAD1-related conditions. In summary, the available evidence is currently insufficient to determine the role of this variant in disease. Therefore, it has been classified as a Variant of Uncertain Significance. Algorithms developed to predict the effect of sequence changes on RNA splicing suggest that this variant may create or strengthen a splice site. Algorithms developed to predict the effect of missense changes on protein structure and function are either unavailable or do not agree on the potential impact of this missense change (SIFT: "Deleterious"; PolyPhen-2: "Benign"; Align-GVGD: "Class C0"). This variant is not present in population databases (ExAC no frequency). This sequence change replaces asparagine with serine at codon 138 of the TEAD1 protein (p.Asn138Ser). The asparagine residue is highly conserved and there is a small physicochemical difference between asparagine and serine.